The following is an entry in ClinVar:

NM_000064.4(C3):c.8C>T (p.Pro3Leu)

Gene: C3 (complement C3; minus strand). Cytogenetic location: 19p13.3.
Variant type: single nucleotide variant.
Coding change: c.8C>T on transcript NM_000064.4 (MANE Select); coding-DNA position 8, C replaced by T.
Protein change: p.Pro3Leu; replaces proline 3 with leucine.
Molecular consequence: missense variant.
Genome position (GRCh38, 1-based): chr19:6,720,582, G>A on the plus strand (C>T on the coding strand, the complement: C3 is on the minus strand). VCF-style: chr19-6720582-G-A. GRCh37 (hg19) VCF-style: chr19-6720593-G-A.
Other names: short protein forms P3L.
Identifiers: ClinVar variation 2903901 (VCV002903901.3), dbSNP rs770131369, ClinGen allele CA304805661.

ClinVar aggregate classification (germline): Uncertain significance (1 of 4 stars; one submission).

Allele frequency attached by ClinVar (database versions not stated): gnomAD exomes below 0.00001; gnomAD 0.00001; TOPMed 0.00001.
gnomAD v4.1: 2 of 1,579,430 alleles (0.00013%); highest among the groups gnomAD compares: Non-Finnish European, 0.00017%; no homozygotes.

Submission:

Labcorp Genetics (formerly Invitae), Labcorp
Classification: Uncertain significance. Last evaluated: 2023-11-24. Review status: criteria provided, single submitter. Criteria: Invitae Variant Classification Sherloc (09022015). Collection method: clinical testing. Allele origin: germline.
Comment: This sequence change replaces proline, which is neutral and non-polar, with leucine, which is neutral and non-polar, at codon 3 of the C3 protein (p.Pro3Leu). This variant is present in population databases (rs770131369, gnomAD 0.007%). This variant has not been reported in the literature in individuals affected with C3-related conditions. Algorithms developed to predict the effect of missense changes on protein structure and function output the following: SIFT: "Not Available"; PolyPhen-2: "Not Available"; Align-GVGD: "Not Available". The leucine amino acid residue is found in multiple mammalian species, which suggests that this missense change does not adversely affect protein function. In summary, the available evidence is currently insufficient to determine the role of this variant in disease. Therefore, it has been classified as a Variant of Uncertain Significance.